The following is an entry in ClinVar:

NM_004260.4(RECQL4):c.1895T>G (p.Met632Arg)

Gene: RECQL4 (RecQ like helicase 4; minus strand). Cytogenetic location: 8q24.3.
Variant type: single nucleotide variant.
Coding change: c.1895T>G on transcript NM_004260.4 (MANE Select); coding-DNA position 1895, T replaced by G.
Protein change: p.Met632Arg; replaces methionine 632 with arginine.
Molecular consequence: missense variant.
Genome position (GRCh38, 1-based): chr8:144,514,091, A>C on the plus strand (T>G on the coding strand, the complement: RECQL4 is on the minus strand). VCF-style: chr8-144514091-A-C. GRCh37 (hg19) VCF-style: chr8-145739475-A-C.
Other names: short protein forms M632R.
Identifiers: ClinVar variation 1411617 (VCV001411617.6), dbSNP rs757829517, ClinGen allele CA4948582.
Genomic context (GRCh38, chr8:144,514,091, plus strand): 5'-ACGTCACTGGCAGTGCGGCGTGTGGCTGTGGCTGTGAGGCCCAGGAAGCAGTGCACGCCC[A>C]TGCGCTCCCGAAGCACCTGCACCAGAGGCGGCAGTGGTGTGAGGCCGCCCAGCCCATCCC-3'
Protein context (NP_004251.4, residues 622-642): LRVCKVLRER[Met632Arg]GVHCFLGLTA

ClinVar aggregate classification (germline): Uncertain significance (1 of 4 stars; one submission).

Conditions:
Baller-Gerold syndrome (BGS). Also called: CRANIOSYNOSTOSIS WITH RADIAL DEFECTS. Identifiers: Orphanet 1225, MedGen C0265308, MONDO:0009039, OMIM 218600.

gnomAD v4.1: 9 of 1,601,420 alleles (0.00056%); highest among the groups gnomAD compares: Admixed American, 0.0051%; no homozygotes.

Submission:

Labcorp Genetics (formerly Invitae), Labcorp
Classification: Uncertain significance for Baller-Gerold syndrome. Last evaluated: 2025-12-01. Review status: criteria provided, single submitter. Criteria: Invitae Variant Classification Sherloc (09022015). Collection method: clinical testing. Allele origin: germline.
Comment: This sequence change replaces methionine, which is neutral and non-polar, with arginine, which is basic and polar, at codon 632 of the RECQL4 protein (p.Met632Arg). This variant is present in population databases (rs757829517, gnomAD 0.003%). This variant has not been reported in the literature in individuals affected with RECQL4-related conditions. ClinVar contains an entry for this variant (Variation ID: 1411617). Invitae Evidence Modeling of protein sequence and biophysical properties (such as structural, functional, and spatial information, amino acid conservation, physicochemical variation, residue mobility, and thermodynamic stability) indicates that this missense variant is not expected to disrupt RECQL4 protein function with a negative predictive value of 80%. In summary, the available evidence is currently insufficient to determine the role of this variant in disease. Therefore, it has been classified as a Variant of Uncertain Significance.